The following is an entry in ClinVar:

ClinVar aggregate classification (germline): Likely pathogenic (1 of 4 stars; one submission).

Conditions:
3-methylcrotonyl-CoA carboxylase 1 deficiency (MCC1D). Also called: MCC 1 deficiency; 3 Alpha methylcrotonylglycinuria 1; MCCD TYPE 1; METHYLCROTONYLGLYCINURIA TYPE I. Identifiers: Orphanet 6, MedGen CN028786, MONDO:0008861, OMIM 210200.

gnomAD v4.1: 3 of 1,596,376 alleles (0.00019%); highest among the groups gnomAD compares: South Asian, 0.0023%; no homozygotes.

Submission:

Labcorp Genetics (formerly Invitae), Labcorp
Classification: Likely pathogenic for 3-methylcrotonyl-CoA carboxylase 1 deficiency. Last evaluated: 2025-05-27. Review status: criteria provided, single submitter. Criteria: Invitae Variant Classification Sherloc (09022015). Collection method: clinical testing. Allele origin: germline.
Comment: This sequence change affects a donor splice site in intron 1 of the MCCC1 gene. It is expected to disrupt RNA splicing. Variants that disrupt the donor or acceptor splice site typically lead to a loss of protein function (PMID: 16199547), and loss-of-function variants in MCCC1 are known to be pathogenic (PMID: 11181649, 15359379, 22642865). This variant is not present in population databases (gnomAD no frequency). This variant has not been reported in the literature in individuals affected with MCCC1-related conditions. ClinVar contains an entry for this variant (Variation ID: 1517219). Algorithms developed to predict the effect of sequence changes on RNA splicing suggest that this variant may disrupt the consensus splice site. In summary, the currently available evidence indicates that the variant is pathogenic, but additional data are needed to prove that conclusively. Therefore, this variant has been classified as Likely Pathogenic.

Literature cited by the submitters: PubMed 16199547; PubMed 11181649; PubMed 15359379; PubMed 22642865.

NM_020166.5(MCCC1):c.89+1G>A

Gene: MCCC1 (methylcrotonyl-CoA carboxylase subunit 1; minus strand). Cytogenetic location: 3q27.1.
Variant type: single nucleotide variant.
Coding change: c.89+1G>A on transcript NM_020166.5 (MANE Select); the canonical splice donor site of the intron after coding-DNA position 89, G replaced by A.
Molecular consequence: splice donor variant.
Genome position (GRCh38, 1-based): chr3:183,099,351, C>T on the plus strand (G>A on the coding strand, the complement: MCCC1 is on the minus strand). VCF-style: chr3-183099351-C-T. GRCh37 (hg19) VCF-style: chr3-182817139-C-T.
Other names: c.-102+1G>A (NM_001363880.1); c.-4+1G>A (NM_001293273.2).
Identifiers: ClinVar variation 1517219 (VCV001517219.6), dbSNP rs771730236, ClinGen allele CA355324098.
Genomic context (GRCh38, chr3:183,099,351, plus strand): 5'-CGCGGGTCCGTGCACCCCTCGCTCCCGCCTCTGCCCACTGAGCCATGGCCCCTCCACCCA[C>T]CTCGGCGGCAGGAGCAGGCTCGGGAGACGATGCCACCGGTTCCTCTCCGCCGCCACCAGC-3'